The following is an entry in ClinVar:

NM_000094.4(COL7A1):c.6191G>C (p.Gly2064Ala)

Gene: COL7A1 (collagen type VII alpha 1 chain; minus strand). Cytogenetic location: 3p21.31.
Variant type: single nucleotide variant.
Coding change: c.6191G>C on transcript NM_000094.4 (MANE Select); coding-DNA position 6191, G replaced by C.
Protein change: p.Gly2064Ala; replaces glycine 2064 with alanine.
Molecular consequence: missense variant.
Genome position (GRCh38, 1-based): chr3:48,575,232, C>G on the plus strand (G>C on the coding strand, the complement: COL7A1 is on the minus strand). VCF-style: chr3-48575232-C-G. GRCh37 (hg19) VCF-style: chr3-48612665-C-G.
Other names: short protein forms G2064A.
Identifiers: ClinVar variation 4801659 (VCV004801659.1).

ClinVar aggregate classification (germline): Likely pathogenic (1 of 4 stars; one submission).

Submission:

Labcorp Genetics (formerly Invitae), Labcorp
Classification: Likely pathogenic. Last evaluated: 2025-08-11. Review status: criteria provided, single submitter. Criteria: Invitae Variant Classification Sherloc (09022015). Collection method: clinical testing. Allele origin: germline.
Comment: This sequence change replaces glycine, which is neutral and non-polar, with alanine, which is neutral and non-polar, at codon 2064 of the COL7A1 protein (p.Gly2064Ala). This variant is not present in population databases (gnomAD no frequency). This variant has not been reported in the literature in individuals affected with COL7A1-related conditions. Invitae Evidence Modeling of protein sequence and biophysical properties (such as structural, functional, and spatial information, amino acid conservation, physicochemical variation, residue mobility, and thermodynamic stability) indicates that this missense variant is expected to disrupt COL7A1 protein function with a positive predictive value of 95%. This variant disrupts the triple helix domain of COL7A1. Glycine residues within the Gly-Xaa-Yaa repeats of the triple helix domain are required for the structure and stability of fibrillar collagens (PMID: 7695699, 8218237, 19344236), and variants at these glycine residues in COL7A1 are more frequently observed in individuals with disease than in the general population (PMID: 22058051). However, the clinical significance of this observation remains uncertain since only a limited number of affected individuals have been described to date. This variant disrupts the p.Gly2064 amino acid residue in COL7A1. Other variant(s) that disrupt this residue have been determined to be pathogenic (PMID: 16189623, 19681861; internal data). This suggests that this residue is clinically significant, and that variants that disrupt this residue are likely to be disease-causing. In summary, the currently available evidence indicates that the variant is pathogenic, but additional data are needed to prove that conclusively. Therefore, this variant has been classified as Likely Pathogenic.

Literature cited by the submitters: PubMed 7695699; PubMed 8218237; PubMed 19344236; PubMed 22058051; PubMed 16189623; PubMed 19681861.